The following is an entry in ClinVar:

NM_001291415.2(KDM6A):c.1195G>A (p.Ala399Thr)

Gene: KDM6A (lysine demethylase 6A; plus strand). Cytogenetic location: Xp11.3.
Variant type: single nucleotide variant.
Coding change: c.1195G>A on transcript NM_001291415.2 (MANE Select); coding-DNA position 1195, G replaced by A.
Protein change: p.Ala399Thr; replaces alanine 399 with threonine.
Molecular consequence: missense variant. On other transcripts: intron variant (6).
Genome position (GRCh38, 1-based): chrX:45,060,022, G>A. VCF-style: chrX-45060022-G-A. GRCh37 (hg19) VCF-style: chrX-44919267-G-A.
Other names: c.1195G>A, p.Ala399Thr (NM_001410742.1, NM_001419809.1, NM_001419810.1 and 4 more transcripts); c.1194+556G>A (NM_001419811.1, NM_001291416.2, NM_001291417.2 and 2 more transcripts); c.441+556G>A (NM_001291421.2); short protein forms A399T.
Identifiers: ClinVar variation 2812980 (VCV002812980.3), dbSNP rs2522780431, ClinGen allele CA412783058.

ClinVar aggregate classification (germline): Uncertain significance (1 of 4 stars; one submission).

Conditions:
Kabuki syndrome 2 (KABUK2). Also called: KDM6A-Related Kabuki Syndrome. Identifiers: Orphanet 2322, MedGen C3275495, MONDO:0010465, OMIM 300867.

Submission:

Labcorp Genetics (formerly Invitae), Labcorp
Classification: Uncertain significance for Kabuki syndrome 2. Last evaluated: 2022-11-08. Review status: criteria provided, single submitter. Criteria: Invitae Variant Classification Sherloc (09022015). Collection method: clinical testing. Allele origin: germline.
Comment: This sequence change replaces alanine, which is neutral and non-polar, with threonine, which is neutral and polar, at codon 399 of the KDM6A protein (p.Ala399Thr). This variant is not present in population databases (gnomAD no frequency). This variant has not been reported in the literature in individuals affected with KDM6A-related conditions. Algorithms developed to predict the effect of missense changes on protein structure and function are either unavailable or do not agree on the potential impact of this missense change (SIFT: "Deleterious"; PolyPhen-2: "Benign"; Align-GVGD: "Class C0"). Algorithms developed to predict the effect of sequence changes on RNA splicing suggest that this variant may disrupt the consensus splice site. In summary, the available evidence is currently insufficient to determine the role of this variant in disease. Therefore, it has been classified as a Variant of Uncertain Significance.